The following is an entry in ClinVar:

NM_001384140.1(PCDH15):c.3536T>C (p.Met1179Thr)

Gene: PCDH15 (protocadherin related 15; minus strand). Cytogenetic location: 10q21.1.
Variant type: single nucleotide variant.
Coding change: c.3536T>C on transcript NM_001384140.1 (MANE Select); coding-DNA position 3536, T replaced by C.
Protein change: p.Met1179Thr; replaces methionine 1179 with threonine.
Molecular consequence: missense variant.
Genome position (GRCh38, 1-based): chr10:53,866,823, A>G on the plus strand (T>C on the coding strand, the complement: PCDH15 is on the minus strand). VCF-style: chr10-53866823-A-G. GRCh37 (hg19) VCF-style: chr10-55626583-A-G.
Other names: c.3551T>C, p.Met1184Thr (NM_001142763.2, NM_001142771.2); c.3536T>C, p.Met1179Thr (NM_001142764.2, NM_001142766.2, NM_001142770.3 and 4 more transcripts); c.3323T>C, p.Met1108Thr (NM_001142765.2); c.3425T>C, p.Met1142Thr (NM_001142767.2); c.3470T>C, p.Met1157Thr (NM_001142768.2, NM_001142773.2, NM_001354404.2); c.3572T>C, p.Met1191Thr (NM_001142769.4); c.3557T>C, p.Met1186Thr (NM_001354411.2); short protein forms M1179T, M1191T, M1184T, M1108T, M1142T, M1157T, M1186T.
Identifiers: ClinVar variation 1436314 (VCV001436314.6), dbSNP rs2133159602, ClinGen allele CA376518144.
Genomic context (GRCh38, chr10:53,866,823, plus strand): 5'-GTTTCCACTACAAATCCTTCTTTTCCCTCTTTAATTGGTGGTATTATGAGTCTGTAGGCC[A>G]TGACACTATAATTGCCAGTATCTTTATCAGTAGCCTAGACGGAGGGGAAAAAAAAAGAGA-3'
Protein context (NP_001371069.1, residues 1169-1189): TDKDTGNYSV[Met1179Thr]AYRLIIPPIK

ClinVar aggregate classification (germline): Uncertain significance (1 of 4 stars; one submission).

Submission:

Labcorp Genetics (formerly Invitae), Labcorp
Classification: Uncertain significance. Last evaluated: 2025-04-21. Review status: criteria provided, single submitter. Criteria: Invitae Variant Classification Sherloc (09022015). Collection method: clinical testing. Allele origin: germline.
Comment: This sequence change replaces methionine, which is neutral and non-polar, with threonine, which is neutral and polar, at codon 1179 of the PCDH15 protein (p.Met1179Thr). This variant is not present in population databases (gnomAD no frequency). This variant has not been reported in the literature in individuals affected with PCDH15-related conditions. ClinVar contains an entry for this variant (Variation ID: 1436314). Invitae Evidence Modeling of protein sequence and biophysical properties (such as structural, functional, and spatial information, amino acid conservation, physicochemical variation, residue mobility, and thermodynamic stability) indicates that this missense variant is not expected to disrupt PCDH15 protein function with a negative predictive value of 95%. In summary, the available evidence is currently insufficient to determine the role of this variant in disease. Therefore, it has been classified as a Variant of Uncertain Significance.